The following is an entry in ClinVar:

ClinVar aggregate classification (germline): Likely pathogenic. Review status: criteria provided, single submitter (1 of 4 stars). 2 submissions from 2 submitters: Likely pathogenic (1). 1 of the submissions does not count toward it. Last evaluated 2025-10-17.

Conditions:
Neurologic, endocrine, and pancreatic disease, multisystem, infantile-onset 1 (IMNEPD1). Identifiers: Orphanet 456312, MedGen C4015728, MONDO:8000012, OMIM 616263.

Submissions (2):

GeneDx
Classification: Likely pathogenic. Last evaluated: 2025-10-17. Review status: criteria provided, single submitter. Criteria: GeneDx Variant Classification Process June 2021. Collection method: clinical testing. Allele origin: germline. Affected: yes.
Comment: Frameshift variant predicted to result in abnormal protein length as the last 137 amino acid(s) are replaced with 10 different amino acid(s), and other similar variants have been reported in HGMD; Not observed at significant frequency in large population cohorts (gnomAD); This variant is associated with the following publications: (PMID: 33092935, 32637629)

OMIM
Classification: Pathogenic for NEUROLOGIC, ENDOCRINE, AND PANCREATIC DISEASE, MULTISYSTEM, INFANTILE-ONSET 1. Last evaluated: 2021-07-08. Review status: no assertion criteria provided. Collection method: literature only. Allele origin: germline. Not counted in ClinVar's aggregate classification.

Literature cited by the submitters: PubMed 33092935 (cited by OMIM).

NM_016077.5(PTRH2):c.127dup (p.Ser43fs)

Gene: PTRH2 (peptidyl-tRNA hydrolase 2; minus strand). Cytogenetic location: 17q23.1.
Variant type: Duplication.
Coding change: c.127dup on transcript NM_016077.5 (MANE Select); coding-DNA position 127, one base duplicated (A; older notation c.127dupA).
Protein change: p.Ser43fs; shifts the reading frame from serine 43.
Molecular consequence: frameshift variant.
Genome position (GRCh38, 1-based): chr17:59,697,852, T duplicated on the plus strand (A on the coding strand, the reverse complement: PTRH2 is on the minus strand); the first of 4 consecutive T bases (chr17:59,697,852-59,697,855); duplicating any one gives the same sequence. VCF-style (leftmost placement, unchanged base first): chr17-59697851-C-CT. GRCh37 (hg19) VCF-style: chr17-57775212-C-CT.
Other names: c.130dup, p.Ser44fs (NM_001015509.3); short protein forms S43fs, S44fs.
Identifiers: ClinVar variation 1048079 (VCV001048079.9), dbSNP rs777064652, ClinGen allele CA8681945.